The following is an entry in ClinVar:

NM_000051.4(ATM):c.1010G>T (p.Arg337Leu)

Gene: ATM (ATM serine/threonine kinase; plus strand). Cytogenetic location: 11q22.3.
Variant type: single nucleotide variant.
Coding change: c.1010G>T on transcript NM_000051.4 (MANE Select); coding-DNA position 1010, G replaced by T.
Protein change: p.Arg337Leu; replaces arginine 337 with leucine.
Molecular consequence: missense variant.
Genome position (GRCh38, 1-based): chr11:108,247,072, G>T. VCF-style: chr11-108247072-G-T. GRCh37 (hg19) VCF-style: chr11-108117799-G-T.
Other names: c.1010G>T, p.Arg337Leu (NM_001351834.2); short protein forms R337L.
Identifiers: ClinVar variation 851484 (VCV000851484.17), dbSNP rs202160435, ClinGen allele CA382531424.
Genomic context (GRCh38, chr11:108,247,072, plus strand): 5'-ATCTGCTAGTGAATGAGATAAGTCATATAGGAAGTAGAGGAAAGTATTCTTCAGGATTTC[G>T]TAATATTGCCGTCAAAGAAAATTTGATTGAATTGATGGCAGATATCTGTCACCAGGTACA-3'
Protein context (NP_000042.3, residues 327-347): GSRGKYSSGF[Arg337Leu]NIAVKENLIE

ClinVar aggregate classification (germline): Uncertain significance. Review status: criteria provided, multiple submitters, no conflicts (2 of 4 stars). 5 submissions from 5 submitters: Uncertain significance (4). 1 of the submissions does not count toward it. Last evaluated 2026-06-15.

Conditions:
Ataxia-telangiectasia syndrome (AT). Also called: Ataxia-telangiectasia, complementation group D; AT, COMPLEMENTATION GROUP C; ATAXIA-TELANGIECTASIA, COMPLEMENTATION GROUP A; ATAXIA-TELANGIECTASIA, FRESNO VARIANT; Ataxia-telangiectasia; LOUIS-BAR SYNDROME. Identifiers: Orphanet 100, MedGen C0004135, MONDO:0008840, OMIM 208900.
Hereditary cancer-predisposing syndrome. Also called: Tumor predisposition; Hereditary neoplastic syndrome; Neoplastic Syndromes, Hereditary; Hereditary Cancer Syndrome. Identifiers: Orphanet 140162, MedGen C0027672, MeSH D009386, MONDO:0015356.

Submissions (5):

Ambry Genetics
Classification: Uncertain significance for Hereditary cancer-predisposing syndrome. Last evaluated: 2026-06-15. Review status: criteria provided, single submitter. Criteria: Ambry Variant Classification Scheme 2023. Collection method: clinical testing. Allele origin: germline.
Comment: The p.R337L variant (also known as c.1010G>T), located in coding exon 7 of the ATM gene, results from a G to T substitution at nucleotide position 1010. The arginine at codon 337 is replaced by leucine, an amino acid with dissimilar properties. In an assay testing ATM function, this variant showed a functionally indeterminant result (Lee KS et al. Cell, 2025 Sep;188:5081-5099.e27). This amino acid position is highly conserved in available vertebrate species. In addition, the in silico prediction for this alteration is inconclusive. Based on the available evidence, the clinical significance of this variant remains unclear.

Labcorp Genetics (formerly Invitae), Labcorp
Classification: Uncertain significance for Ataxia-telangiectasia syndrome. Last evaluated: 2022-11-06. Review status: criteria provided, single submitter. Criteria: Invitae Variant Classification Sherloc (09022015). Collection method: clinical testing. Allele origin: germline.
Comment: In summary, the available evidence is currently insufficient to determine the role of this variant in disease. Therefore, it has been classified as a Variant of Uncertain Significance. Algorithms developed to predict the effect of missense changes on protein structure and function (SIFT, PolyPhen-2, Align-GVGD) all suggest that this variant is likely to be disruptive. ClinVar contains an entry for this variant (Variation ID: 851484). This variant has not been reported in the literature in individuals affected with ATM-related conditions. This variant is not present in population databases (gnomAD no frequency). This sequence change replaces arginine, which is basic and polar, with leucine, which is neutral and non-polar, at codon 337 of the ATM protein (p.Arg337Leu).

Genome-Nilou Lab
Classification: Uncertain significance for Ataxia-telangiectasia syndrome. Last evaluated: 2021-07-14. Review status: criteria provided, single submitter. Criteria: ACMG Guidelines, 2015. Collection method: clinical testing. Allele origin: germline. Affected: no.

Color Diagnostics, LLC DBA Color Health
Classification: Uncertain significance for Hereditary cancer-predisposing syndrome. Last evaluated: 2019-06-06. Review status: criteria provided, single submitter. Criteria: ACMG Guidelines, 2015. Collection method: clinical testing. Allele origin: germline.

Natera, Inc.
Classification: Uncertain significance for Ataxia-telangiectasia. Last evaluated: 2020-09-16. Review status: no assertion criteria provided. Collection method: clinical testing. Allele origin: germline. Not counted in ClinVar's aggregate classification.

Literature cited by the submitters: PubMed 40580951 (cited by Ambry Genetics).